The following is an entry in ClinVar:

ClinVar aggregate classification (germline): Uncertain significance (1 of 4 stars; one submission).

Conditions:
Early-infantile DEE. Also called: Early infantile epileptic encephalopathy; Ohtahara syndrome; Early infantile epileptic encephalopathy with suppression bursts. Identifiers: Orphanet 1934, MedGen C0393706, MONDO:0800491.

Submission:

Labcorp Genetics (formerly Invitae), Labcorp
Classification: Uncertain significance for Early-infantile DEE. Last evaluated: 2024-08-15. Review status: criteria provided, single submitter. Criteria: Invitae Variant Classification Sherloc (09022015). Collection method: clinical testing. Allele origin: germline.
Comment: This sequence change replaces glutamic acid, which is acidic and polar, with valine, which is neutral and non-polar, at codon 599 of the SPTAN1 protein (p.Glu599Val). This variant is not present in population databases (gnomAD no frequency). This variant has not been reported in the literature in individuals affected with SPTAN1-related conditions. Invitae Evidence Modeling of protein sequence and biophysical properties (such as structural, functional, and spatial information, amino acid conservation, physicochemical variation, residue mobility, and thermodynamic stability) has been performed for this missense variant. However, the output from this modeling did not meet the statistical confidence thresholds required to predict the impact of this variant on SPTAN1 protein function. Algorithms developed to predict the effect of sequence changes on RNA splicing suggest that this variant may disrupt the consensus splice site. In summary, the available evidence is currently insufficient to determine the role of this variant in disease. Therefore, it has been classified as a Variant of Uncertain Significance.

NM_001130438.3(SPTAN1):c.1796A>T (p.Glu599Val)

Gene: SPTAN1 (spectrin alpha, non-erythrocytic 1; plus strand). Cytogenetic location: 9q34.11.
Variant type: single nucleotide variant.
Coding change: c.1796A>T on transcript NM_001130438.3 (MANE Select); coding-DNA position 1796, A replaced by T.
Protein change: p.Glu599Val; replaces glutamic acid 599 with valine.
Molecular consequence: missense variant.
Genome position (GRCh38, 1-based): chr9:128,582,839, A>T. VCF-style: chr9-128582839-A-T. GRCh37 (hg19) VCF-style: chr9-131345118-A-T.
Other names: c.1796A>T, p.Glu599Val (NM_001195532.2, NM_001363759.2, NM_001363765.2 and 5 more transcripts); c.1832A>T, p.Glu611Val (NM_001375312.2, NM_001375318.1); short protein forms E611V, E599V.
Identifiers: ClinVar variation 3635901 (VCV003635901.2).